The following is an entry in ClinVar:

NM_006767.4(LZTR1):c.1700G>C (p.Arg567Pro)

Gene: LZTR1 (leucine zipper like post translational regulator 1; plus strand). Cytogenetic location: 22q11.21.
Variant type: single nucleotide variant.
Coding change: c.1700G>C on transcript NM_006767.4 (MANE Select); coding-DNA position 1700, G replaced by C.
Protein change: p.Arg567Pro; replaces arginine 567 with proline.
Molecular consequence: missense variant.
Genome position (GRCh38, 1-based): chr22:20,994,642, G>C. VCF-style: chr22-20994642-G-C. GRCh37 (hg19) VCF-style: chr22-21348931-G-C.
Other names: short protein forms R567P.
Identifiers: ClinVar variation 561866 (VCV000561866.15), dbSNP rs372417941, ClinGen allele CA10119024.
Genomic context (GRCh38, chr22:20,994,642, plus strand): 5'-TCATGGATGTGTACAAACTGGCACTGAGCTTCCAGTTGTGCCGCCTGGAGCAGCTGTGCC[G>C]CCAGTACATCGAGGCCTCCGTGGACCTGCAGAACGTGCTGGTTGTGTGCGAGAGTGCCGC-3'
Protein context (NP_006758.2, residues 557-577): FQLCRLEQLC[Arg567Pro]QYIEASVDLQ

ClinVar aggregate classification (germline): Uncertain significance. Review status: criteria provided, multiple submitters, no conflicts (2 of 4 stars). 3 submissions from 3 submitters: Uncertain significance (3). Last evaluated 2025-11-30.

Conditions:
Cardiovascular phenotype. Identifiers: MedGen CN230736.
Hereditary cancer-predisposing syndrome. Also called: Hereditary neoplastic syndrome; Neoplastic Syndromes, Hereditary; Tumor predisposition; Hereditary Cancer Syndrome. Identifiers: Orphanet 140162, MedGen C0027672, MeSH D009386, MONDO:0015356.

Allele frequency attached by ClinVar (database versions not stated): TOPMed 0.00002.
gnomAD v4.1: 23 of 1,612,716 alleles (0.0014%); highest among the groups gnomAD compares: Non-Finnish European, 0.0018%; no homozygotes.

Submissions (3):

Ambry Genetics
Classification: Uncertain significance for Cardiovascular phenotype; Hereditary cancer-predisposing syndrome. Last evaluated: 2025-11-30. Review status: criteria provided, single submitter. Criteria: Ambry Variant Classification Scheme 2023. Collection method: clinical testing. Allele origin: germline.
Comment: The p.R567P variant (also known as c.1700G>C), located in coding exon 15 of the LZTR1 gene, results from a G to C substitution at nucleotide position 1700. The arginine at codon 567 is replaced by proline, an amino acid with dissimilar properties. This amino acid position is not well conserved in available vertebrate species. In addition, the in silico prediction for this alteration is inconclusive. Since supporting evidence is limited at this time, the clinical significance of this alteration remains unclear.

Labcorp Genetics (formerly Invitae), Labcorp
Classification: Uncertain significance. Last evaluated: 2025-10-26. Review status: criteria provided, single submitter. Criteria: Invitae Variant Classification Sherloc (09022015). Collection method: clinical testing. Allele origin: germline.
Comment: This sequence change replaces arginine, which is basic and polar, with proline, which is neutral and non-polar, at codon 567 of the LZTR1 protein (p.Arg567Pro). This variant is present in population databases (rs372417941, gnomAD 0.009%). This variant has not been reported in the literature in individuals affected with LZTR1-related conditions. ClinVar contains an entry for this variant (Variation ID: 561866). Invitae Evidence Modeling of protein sequence and biophysical properties (such as structural, functional, and spatial information, amino acid conservation, physicochemical variation, residue mobility, and thermodynamic stability) indicates that this missense variant is not expected to disrupt LZTR1 protein function with a negative predictive value of 80%. In summary, the available evidence is currently insufficient to determine the role of this variant in disease. Therefore, it has been classified as a Variant of Uncertain Significance.

GeneDx
Classification: Uncertain significance. Last evaluated: 2022-09-01. Review status: criteria provided, single submitter. Criteria: GeneDx Variant Classification Process June 2021. Collection method: clinical testing. Allele origin: germline. Affected: yes.
Comment: In silico analysis supports that this missense variant does not alter protein structure/function; Has not been previously published as pathogenic or benign to our knowledge